The following is an entry in ClinVar:

NM_004279.3(PMPCB):c.1195C>G (p.Arg399Gly)

Gene: PMPCB (peptidase, mitochondrial processing subunit beta; plus strand). Cytogenetic location: 7q22.1.
Variant type: single nucleotide variant.
Coding change: c.1195C>G on transcript NM_004279.3 (MANE Select); coding-DNA position 1195, C replaced by G.
Protein change: p.Arg399Gly; replaces arginine 399 with glycine.
Molecular consequence: missense variant.
Genome position (GRCh38, 1-based): chr7:103,311,683, C>G. VCF-style: chr7-103311683-C-G. GRCh37 (hg19) VCF-style: chr7-102952130-C-G.
Other names: short protein forms R399G.
Identifiers: ClinVar variation 3341422 (VCV003341422.1).

ClinVar aggregate classification (germline): Uncertain significance (1 of 4 stars; one submission).

Conditions:
Multiple mitochondrial dysfunctions syndrome 6. Identifiers: Orphanet 569290, MedGen C4693741, MONDO:0054785, OMIM 617954.

Submission:

Neuberg Centre For Genomic Medicine, NCGM
Classification: Uncertain significance for Multiple mitochondrial dysfunctions syndrome 6. Last evaluated: 2023-05-20. Review status: criteria provided, single submitter. Criteria: ACMG Guidelines, 2015. Collection method: clinical testing. Allele origin: germline. Inheritance: Autosomal recessive inheritance. Affected: yes.
Comment: The observed missense variant c.1195C>G (p.Arg399Gly) in the PMPCB gene has not been reported previously as a pathogenic variant nor as a benign variant, to our knowledge. This variant is absent in the gnomAD Exomes. The amino acid Arginine at position 399 is changed to a Glycine changing protein sequence and it might alter its composition and physico-chemical properties. Multiple lines of computational evidence (Polyphen - Damaging, SIFT - Damaging and MutationTaster - Disease causing) predict a damaging effect on protein structure and function for this variant. The residue is conserved by GERP++ and PhyloP across 100 vertebrates. For these reasons, this variant has been classified as Uncertain Significance.